The following is an entry in ClinVar:

ClinVar aggregate classification (germline): Uncertain significance (1 of 4 stars; one submission).

Conditions:
Familial cancer of breast. Also called: hereditary breast carcinoma; Hereditary breast cancer; BREAST CANCER, FAMILIAL. Identifiers: Orphanet 227535, MedGen C0346153, MONDO:0016419, OMIM 114480. Disease mechanism: loss of function.

Submission:

Labcorp Genetics (formerly Invitae), Labcorp
Classification: Uncertain significance for Familial cancer of breast. Last evaluated: 2023-05-23. Review status: criteria provided, single submitter. Criteria: Invitae Variant Classification Sherloc (09022015). Collection method: clinical testing. Allele origin: germline.
Comment: In summary, the available evidence is currently insufficient to determine the role of this variant in disease. Therefore, it has been classified as a Variant of Uncertain Significance. Algorithms developed to predict the effect of sequence changes on RNA splicing suggest that this variant may disrupt the consensus splice site. This variant has not been reported in the literature in individuals affected with CHEK2-related conditions. This variant is not present in population databases (gnomAD no frequency). This sequence change falls in intron 7 of the CHEK2 gene. It does not directly change the encoded amino acid sequence of the CHEK2 protein.

NM_007194.4(CHEK2):c.847-21_847-15del

Gene: CHEK2 (checkpoint kinase 2; minus strand). Cytogenetic location: 22q12.1.
Variant type: Deletion.
Coding change: c.847-21_847-15del on transcript NM_007194.4 (MANE Select); 21 bases into the intron before coding-DNA position 847 through 15 bases into the intron before coding-DNA position 847, 7 bases deleted (TTTTTCT; older notation c.847-21_847-15delTTTTTCT).
Molecular consequence: intron variant.
Genome position (GRCh38, 1-based): chr22:28,703,581-28,703,587, AGAAAAA deleted on the plus strand (TTTTTCT on the coding strand, the reverse complement: CHEK2 is on the minus strand); deleting any 7 consecutive bases within chr22:28,703,581-28,703,589 gives the same sequence; the c. name uses the placement nearest the transcript's 3' end. VCF-style (leftmost placement, unchanged base first): chr22-28703580-GAGAAAAA-G. GRCh37 (hg19) VCF-style: chr22-29099568-GAGAAAAA-G.
Other names: c.184-21_184-15del (NM_001437942.1, NM_001257387.3); c.646-21_646-15del (NM_001349956.3); c.847-21_847-15del (NM_145862.3); c.940-21_940-15del (NM_001438295.1, NM_001438293.1); c.976-21_976-15del (NM_001438294.1, NM_001005735.3).
Identifiers: ClinVar variation 2744222 (VCV002744222.3), dbSNP rs2517888369, ClinGen allele CA2697552654.